The following is an entry in ClinVar:

NM_001358921.2(COQ2):c.185C>T (p.Ala62Val)

Genes: COQ2 (coenzyme Q2, polyprenyltransferase; minus strand), LOC112997540 (Sharpr-MPRA regulatory region 13773; plus strand). Cytogenetic location: 4q21.23.
Variant type: single nucleotide variant.
Coding change: c.185C>T on transcript NM_001358921.2 (MANE Select); coding-DNA position 185, C replaced by T.
Protein change: p.Ala62Val; replaces alanine 62 with valine.
Molecular consequence: missense variant.
Genome position (GRCh38, 1-based): chr4:83,284,580, G>A on the plus strand (C>T on the coding strand, the complement: COQ2 is on the minus strand). VCF-style: chr4-83284580-G-A. GRCh37 (hg19) VCF-style: chr4-84205733-G-A.
Other names: c.335C>T, p.Ala112Val (NM_015697.9); short protein forms A62V, A112V.
Identifiers: ClinVar variation 2101201 (VCV002101201.5), dbSNP rs976113302, ClinGen allele CA100656602.

ClinVar aggregate classification (germline): Uncertain significance. Review status: criteria provided, multiple submitters, no conflicts (2 of 4 stars). 2 submissions from 2 submitters: Uncertain significance (2). Last evaluated 2022-12-21.

Conditions:
Inborn genetic diseases. Identifiers: MedGen C0950123, MeSH D030342.

Allele frequency attached by ClinVar (database versions not stated): gnomAD exomes 0.00001.
gnomAD v4.1: 8 of 1,550,626 alleles (0.00052%); highest among the groups gnomAD compares: Non-Finnish European, 0.00061%; no homozygotes.

Submissions (2):

Ambry Genetics
Classification: Uncertain significance for Inborn genetic diseases. Last evaluated: 2022-12-21. Review status: criteria provided, single submitter. Criteria: Ambry Variant Classification Scheme 2023. Collection method: clinical testing. Allele origin: germline.

Labcorp Genetics (formerly Invitae), Labcorp
Classification: Uncertain significance. Last evaluated: 2022-03-01. Review status: criteria provided, single submitter. Criteria: Invitae Variant Classification Sherloc (09022015). Collection method: clinical testing. Allele origin: germline.
Comment: In summary, the available evidence is currently insufficient to determine the role of this variant in disease. Therefore, it has been classified as a Variant of Uncertain Significance. Algorithms developed to predict the effect of missense changes on protein structure and function (SIFT, PolyPhen-2, Align-GVGD) all suggest that this variant is likely to be tolerated. This variant has not been reported in the literature in individuals affected with COQ2-related conditions. This variant is not present in population databases (gnomAD no frequency). This sequence change replaces alanine, which is neutral and non-polar, with valine, which is neutral and non-polar, at codon 112 of the COQ2 protein (p.Ala112Val).